The following is an entry in ClinVar:

NM_015650.4(IFT54):c.668G>A (p.Arg223Gln)

Gene: IFT54 (intraflagellar transport 54; plus strand). Cytogenetic location: 2q37.3.
Variant type: single nucleotide variant.
Coding change: c.668G>A on transcript NM_015650.4 (MANE Select); coding-DNA position 668, G replaced by A.
Protein change: p.Arg223Gln; replaces arginine 223 with glutamine.
Molecular consequence: missense variant.
Genome position (GRCh38, 1-based): chr2:238,329,095, G>A. VCF-style: chr2-238329095-G-A. GRCh37 (hg19) VCF-style: chr2-239237736-G-A.
Other names: c.668G>A, p.Arg223Gln (NM_001139490.1); short protein forms R223Q.
Identifiers: ClinVar variation 2967231 (VCV002967231.4), dbSNP rs762268229, ClinGen allele CA2198112.
Genomic context (GRCh38, chr2:238,329,095, plus strand): 5'-AGGCCAAGGAGAATGGCGGAAACAGACACAGAGAAGGGGAGAGAGAGAGAGCCAAAGCCC[G>A]GGCCAGGCCAGACAACGAGCGACAGAAAGACAGAGGCAACAGGGAGCGGGACAGAGACTC-3'
Protein context (NP_056465.2, residues 213-233): REGERERAKA[Arg223Gln]ARPDNERQKD

ClinVar aggregate classification (germline): Uncertain significance. Review status: criteria provided, multiple submitters, no conflicts (2 of 4 stars). 2 submissions from 2 submitters: Uncertain significance (2). Last evaluated 2023-09-15.

Allele frequency attached by ClinVar (database versions not stated): gnomAD exomes 0.00001; gnomAD 0.00002; TOPMed 0.00003.
gnomAD v4.1: 19 of 1,551,012 alleles (0.0012%); highest among the groups gnomAD compares: South Asian, 0.0059%; no homozygotes.

Submissions (2):

Blueprint Genetics
Classification: Uncertain significance. Last evaluated: 2023-09-15. Review status: criteria provided, single submitter. Criteria: ACMG Guidelines, 2015. Collection method: clinical testing. Allele origin: germline.

Labcorp Genetics (formerly Invitae), Labcorp
Classification: Uncertain significance. Last evaluated: 2023-08-29. Review status: criteria provided, single submitter. Criteria: Invitae Variant Classification Sherloc (09022015). Collection method: clinical testing. Allele origin: germline.
Comment: In summary, the available evidence is currently insufficient to determine the role of this variant in disease. Therefore, it has been classified as a Variant of Uncertain Significance. Advanced modeling of protein sequence and biophysical properties (such as structural, functional, and spatial information, amino acid conservation, physicochemical variation, residue mobility, and thermodynamic stability) performed at Invitae indicates that this missense variant is not expected to disrupt TRAF3IP1 protein function. This variant has not been reported in the literature in individuals affected with TRAF3IP1-related conditions. The frequency data for this variant in the population databases is considered unreliable, as metrics indicate poor data quality at this position in the gnomAD database. This sequence change replaces arginine, which is basic and polar, with glutamine, which is neutral and polar, at codon 223 of the TRAF3IP1 protein (p.Arg223Gln).